The following is an entry in ClinVar:

NM_014806.5(RUSC2):c.2498C>T (p.Pro833Leu)

Gene: RUSC2 (RUN and SH3 domain containing 2; plus strand). Cytogenetic location: 9p13.3.
Variant type: single nucleotide variant.
Coding change: c.2498C>T on transcript NM_014806.5 (MANE Select); coding-DNA position 2498, C replaced by T.
Protein change: p.Pro833Leu; replaces proline 833 with leucine.
Molecular consequence: missense variant. On other transcripts: 5 prime UTR variant (1), non-coding transcript variant (1).
Genome position (GRCh38, 1-based): chr9:35,555,543, C>T. VCF-style: chr9-35555543-C-T. GRCh37 (hg19) VCF-style: chr9-35555540-C-T.
Other names: c.2498C>T (NM_001135999.1); c.2498C>T, p.Pro833Leu (NM_001135999.2); c.-137C>T (NM_001330740.2); short protein forms P833L.
Identifiers: ClinVar variation 1437848 (VCV001437848.8), dbSNP rs144253256, ClinGen allele CA5043878.

ClinVar aggregate classification (germline): Uncertain significance. Review status: criteria provided, multiple submitters, no conflicts (2 of 4 stars). 2 submissions from 2 submitters: Uncertain significance (2). Last evaluated 2025-12-04.

Allele frequency attached by ClinVar (database versions not stated): TOPMed 0.00004; ExAC 0.00003; gnomAD 0.00003 and 0.00004; ESP Exome Variant Server 0.00008; gnomAD exomes 0.00003.
gnomAD v4.1: 23 of 1,613,968 alleles (0.0014%); highest among the groups gnomAD compares: African/African-American, 0.0053%; no homozygotes.

Submissions (2):

Ambry Genetics
Classification: Uncertain significance. Last evaluated: 2025-12-04. Review status: criteria provided, single submitter. Criteria: Ambry Variant Classification Scheme 2023. Collection method: clinical testing. Allele origin: germline.

Labcorp Genetics (formerly Invitae), Labcorp
Classification: Uncertain significance. Last evaluated: 2023-05-15. Review status: criteria provided, single submitter. Criteria: Invitae Variant Classification Sherloc (09022015). Collection method: clinical testing. Allele origin: germline.
Comment: In summary, the available evidence is currently insufficient to determine the role of this variant in disease. Therefore, it has been classified as a Variant of Uncertain Significance. Algorithms developed to predict the effect of missense changes on protein structure and function output the following: SIFT: "Not Available"; PolyPhen-2: "Possibly Damaging"; Align-GVGD: "Not Available". The leucine amino acid residue is found in multiple mammalian species, which suggests that this missense change does not adversely affect protein function. ClinVar contains an entry for this variant (Variation ID: 1437848). This variant has not been reported in the literature in individuals affected with RUSC2-related conditions. This variant is present in population databases (rs144253256, gnomAD 0.01%). This sequence change replaces proline, which is neutral and non-polar, with leucine, which is neutral and non-polar, at codon 833 of the RUSC2 protein (p.Pro833Leu).